The following is an entry in ClinVar:

NM_001040108.2(MLH3):c.3987+7C>A

Gene: MLH3 (mutL homolog 3; minus strand). Cytogenetic location: 14q24.3.
Variant type: single nucleotide variant.
Coding change: c.3987+7C>A on transcript NM_001040108.2 (MANE Select); 7 bases into the intron after coding-DNA position 3987, C replaced by A.
Molecular consequence: intron variant.
Genome position (GRCh38, 1-based): chr14:75,030,536, G>T on the plus strand (C>A on the coding strand, the complement: MLH3 is on the minus strand). VCF-style: chr14-75030536-G-T. GRCh37 (hg19) VCF-style: chr14-75497239-G-T.
Other names: c.3915+7C>A (NM_014381.3).
Identifiers: ClinVar variation 314372 (VCV000314372.29), dbSNP rs28757028, ClinGen allele CA7275280.

ClinVar aggregate classification (germline): Benign/Likely benign. Review status: criteria provided, multiple submitters, no conflicts (2 of 4 stars). 9 submissions from 8 submitters: Benign (8); Likely benign (1). Last evaluated 2026-05-06.

Conditions:
Endometrial carcinoma. Also called: Endometrial carcinoma, somatic. Identifiers: MedGen C0476089, MONDO:0002447, OMIM 608089, HP:0012114.
Colorectal cancer, hereditary nonpolyposis, type 7. Identifiers: Orphanet 144, MedGen C1858380, MONDO:0013725, OMIM 614385.

Allele frequency attached by ClinVar (database versions not stated): ESP Exome Variant Server 0.00077; 1000 Genomes Project 30x 0.01249; gnomAD 0.00318 and 0.00219; TOPMed 0.00303; 1000 Genomes Project 0.01418; gnomAD exomes 0.00566.
gnomAD v4.1: 4,454 of 1,613,758 alleles (0.28%); highest among the groups gnomAD compares: East Asian, 6.1%; 108 homozygotes.

Submissions (9):

Myriad Genetics, Inc.
Classification: Benign for Colorectal cancer, hereditary nonpolyposis, type 7. Last evaluated: 2026-05-06. Review status: criteria provided, single submitter. Criteria: Myriad Autosomal Dominant, Autosomal Recessive and X-Linked Classification Criteria (2023). Collection method: clinical testing. Allele origin: unknown.
Comment: This variant is considered benign. This variant is intronic and is not expected to impact mRNA splicing. This variant has been observed at a population frequency that is significantly greater than expected given the associated disease prevalence and penetrance.

Labcorp Genetics (formerly Invitae), Labcorp
Classification: Benign for Colorectal cancer, hereditary nonpolyposis, type 7. Last evaluated: 2026-02-01. Review status: criteria provided, single submitter. Criteria: Invitae Variant Classification Sherloc (09022015). Collection method: clinical testing. Allele origin: germline.

ARUP Laboratories, Molecular Genetics and Genomics, ARUP Laboratories
Classification: Benign. Last evaluated: 2025-05-18. Review status: criteria provided, single submitter. Criteria: ARUP Molecular Germline Variant Investigation Process 2024. Collection method: clinical testing. Allele origin: germline.

Center for Genomic Medicine, Rigshospitalet, Copenhagen University Hospital
Classification: Likely benign. Last evaluated: 2025-03-04. Review status: criteria provided, single submitter. Criteria: ACMG Guidelines, 2015. Collection method: clinical testing. Allele origin: germline.

KCCC/NGS Laboratory, Kuwait Cancer Control Center
Classification: Benign for Endometrial carcinoma. Last evaluated: 2025-02-01. Review status: criteria provided, single submitter. Criteria: ACMG Guidelines, 2015. Collection method: clinical testing. Allele origin: germline. Affected: no.

KCCC/NGS Laboratory, Kuwait Cancer Control Center
Classification: Benign for Colorectal cancer, hereditary nonpolyposis, type 7. Last evaluated: 2023-07-07. Review status: criteria provided, single submitter. Criteria: ACMG Guidelines, 2015. Collection method: clinical testing. Allele origin: germline. Affected: yes.

Department of Pathology and Laboratory Medicine, Sinai Health System
Classification: Benign for colorectal cancer, hereditary nonpolyposis, type 7. Last evaluated: 2023-06-19. Review status: criteria provided, single submitter. Criteria: ACMG Guidelines, 2015. Collection method: clinical testing. Allele origin: germline. Affected: no.

GeneDx
Classification: Benign. Last evaluated: 2018-06-22. Review status: criteria provided, single submitter. Criteria: GeneDx Variant Classification Process June 2021. Collection method: clinical testing. Allele origin: germline. Affected: yes.

Illumina Laboratory Services, Illumina
Classification: Benign for Colorectal cancer, hereditary nonpolyposis, type 7. Last evaluated: 2018-01-13. Review status: criteria provided, single submitter. Criteria: ICSL Variant Classification Criteria 13 December 2019. Collection method: clinical testing. Allele origin: germline.
Comment: This variant was observed in the ICSL laboratory as part of a predisposition screen in an ostensibly healthy population. It had not been previously curated by ICSL or reported in the Human Gene Mutation Database (HGMD: prior to June 1st, 2018), and was therefore a candidate for classification through an automated scoring system. Utilizing variant allele frequency, disease prevalence and penetrance estimates, and inheritance mode, an automated score was calculated to assess if this variant is too frequent to cause the disease. Based on the score and internal cut-off values, a variant classified as benign is not then subjected to further curation. The score for this variant resulted in a classification of benign for this disease.